The following is an entry in ClinVar:

ClinVar aggregate classification (germline): Uncertain significance (1 of 4 stars; one submission).

gnomAD v4.1: 1 of 1,613,622 alleles (0.000062%); highest among the groups gnomAD compares: Non-Finnish European, 0.000085%; no homozygotes.

Submission:

Labcorp Genetics (formerly Invitae), Labcorp
Classification: Uncertain significance. Last evaluated: 2024-10-10. Review status: criteria provided, single submitter. Criteria: Invitae Variant Classification Sherloc (09022015). Collection method: clinical testing. Allele origin: germline.
Comment: This sequence change replaces arginine, which is basic and polar, with glycine, which is neutral and non-polar, at codon 156 of the WNT1 protein (p.Arg156Gly). This variant is present in population databases (rs746877791, gnomAD 0.0009%). This variant has not been reported in the literature in individuals affected with WNT1-related conditions. Invitae Evidence Modeling of protein sequence and biophysical properties (such as structural, functional, and spatial information, amino acid conservation, physicochemical variation, residue mobility, and thermodynamic stability) indicates that this missense variant is not expected to disrupt WNT1 protein function with a negative predictive value of 80%. In summary, the available evidence is currently insufficient to determine the role of this variant in disease. Therefore, it has been classified as a Variant of Uncertain Significance.

NM_005430.4(WNT1):c.466C>G (p.Arg156Gly)

Gene: WNT1 (Wnt family member 1; plus strand). Cytogenetic location: 12q13.12.
Variant type: single nucleotide variant.
Coding change: c.466C>G on transcript NM_005430.4 (MANE Select); coding-DNA position 466, C replaced by G.
Protein change: p.Arg156Gly; replaces arginine 156 with glycine.
Molecular consequence: missense variant.
Genome position (GRCh38, 1-based): chr12:48,980,531, C>G. VCF-style: chr12-48980531-C-G. GRCh37 (hg19) VCF-style: chr12-49374314-C-G.
Other names: short protein forms R156G.
Identifiers: ClinVar variation 3605541 (VCV003605541.2).
Genomic context (GRCh38, chr12:48,980,531, plus strand): 5'-ACCCATTCGGTGGCGCGCTCCTGCTCAGAAGGTTCCATCGAATCCTGCACGTGTGACTAC[C>G]GGCGGCGCGGCCCCGGGGGCCCCGACTGGCACTGGGGGGGCTGCAGCGACAACATTGACT-3'
Protein context (NP_005421.1, residues 146-166): GSIESCTCDY[Arg156Gly]RRGPGGPDWH